The following is an entry in ClinVar:

NM_003240.5(LEFTY2):c.389T>G (p.Leu130Arg)

Gene: LEFTY2 (left-right determination factor 2; minus strand). Cytogenetic location: 1q42.12.
Variant type: single nucleotide variant.
Coding change: c.389T>G on transcript NM_003240.5 (MANE Select); coding-DNA position 389, T replaced by G.
Protein change: p.Leu130Arg; replaces leucine 130 with arginine.
Molecular consequence: missense variant.
Genome position (GRCh38, 1-based): chr1:225,939,864, A>C on the plus strand (T>G on the coding strand, the complement: LEFTY2 is on the minus strand). VCF-style: chr1-225939864-A-C. GRCh37 (hg19) VCF-style: chr1-226127564-A-C.
Other names: c.287T>G, p.Leu96Arg (NM_001172425.3); short protein forms L130R, L96R.
Identifiers: ClinVar variation 955443 (VCV000955443.12), dbSNP rs575338007, ClinGen allele CA1420607.

ClinVar aggregate classification (germline): Uncertain significance. Review status: criteria provided, multiple submitters, no conflicts (2 of 4 stars). 2 submissions from 2 submitters: Uncertain significance (2). Last evaluated 2025-05-01.

Conditions:
Left-right axis malformations. Identifiers: MedGen C1866091.

Allele frequency attached by ClinVar (database versions not stated): gnomAD exomes 0.00006 and 0.00012; gnomAD 0.00010; TOPMed 0.00011; ExAC 0.00013; 1000 Genomes Project 30x 0.00016; 1000 Genomes Project 0.00020.

Submissions (2):

Ambry Genetics
Classification: Uncertain significance. Last evaluated: 2025-05-01. Review status: criteria provided, single submitter. Criteria: Ambry Variant Classification Scheme 2023. Collection method: clinical testing. Allele origin: germline.

Labcorp Genetics (formerly Invitae), Labcorp
Classification: Uncertain significance for Left-right axis malformations. Last evaluated: 2023-10-05. Review status: criteria provided, single submitter. Criteria: Invitae Variant Classification Sherloc (09022015). Collection method: clinical testing. Allele origin: germline.
Comment: This sequence change replaces leucine, which is neutral and non-polar, with arginine, which is basic and polar, at codon 130 of the LEFTY2 protein (p.Leu130Arg). This variant is present in population databases (rs575338007, gnomAD 0.01%). This variant has not been reported in the literature in individuals affected with LEFTY2-related conditions. ClinVar contains an entry for this variant (Variation ID: 955443). Advanced modeling of protein sequence and biophysical properties (such as structural, functional, and spatial information, amino acid conservation, physicochemical variation, residue mobility, and thermodynamic stability) performed at Invitae indicates that this missense variant is not expected to disrupt LEFTY2 protein function. In summary, the available evidence is currently insufficient to determine the role of this variant in disease. Therefore, it has been classified as a Variant of Uncertain Significance.